The following is an entry in ClinVar:

ClinVar aggregate classification (germline): not provided (0 of 4 stars; one submission).

Submission:

ITMI
No classification provided. Condition: AllHighlyPenetrant. Last evaluated: 2013-09-19. Review status: no classification provided. Collection method: reference population. Allele origin: germline.
Comment: Please see associated publication for description of ethnicities

Literature cited by the submitters: PubMed 24728327.

NM_022725.4(FANCF):c.179G>A (p.Arg60Gln)

Gene: FANCF (FA complementation group F; minus strand). Cytogenetic location: 11p14.3.
Variant type: single nucleotide variant.
Coding change: c.179G>A on transcript NM_022725.4 (MANE Select); coding-DNA position 179, G replaced by A.
Protein change: p.Arg60Gln; replaces arginine 60 with glutamine.
Molecular consequence: missense variant.
Genome position (GRCh38, 1-based): chr11:22,625,632, C>T on the plus strand (G>A on the coding strand, the complement: FANCF is on the minus strand). VCF-style: chr11-22625632-C-T. GRCh37 (hg19) VCF-style: chr11-22647178-C-T.
Other names: short protein forms R60Q.
Identifiers: ClinVar variation 134353 (VCV000134353.1), dbSNP rs587778344, ClinGen allele CA159578.
Genomic context (GRCh38, chr11:22,625,632, plus strand): 5'-AATCCCGGAACTGGACCCCGCCCAAAGCCGCCCTCTTGCCTCCACTGGTTGTGCAGCCGC[C>T]GCTCCAGAGCCGTGCGAATGGGGCCATGCCGACCAAAGCGCCGATGGATGTGGCGCAGGT-3'
Protein context (NP_073562.1, residues 50-70): RHGPIRTALE[Arg60Gln]RLHNQWRQEG